The following is an entry in ClinVar:

NM_000169.3(GLA):c.473C>A (p.Thr158Asn)

Genes: GLA (galactosidase alpha; minus strand), RPL36A-HNRNPH2 (RPL36A-HNRNPH2 readthrough; plus strand). Cytogenetic location: Xq22.1.
Variant type: single nucleotide variant.
Coding change: c.473C>A on transcript NM_000169.3 (MANE Select); coding-DNA position 473, C replaced by A.
Protein change: p.Thr158Asn; replaces threonine 158 with asparagine.
Molecular consequence: missense variant. On other transcripts: non-coding transcript variant (3), intron variant (2).
Genome position (GRCh38, 1-based): chrX:101,401,706, G>T on the plus strand (C>A on the coding strand, the complement: GLA is on the minus strand). VCF-style: chrX-101401706-G-T. GRCh37 (hg19) VCF-style: chrX-100656694-G-T.
Other names: c.596C>A, p.Thr199Asn (NM_001406747.1, NM_001406749.1); c.473C>A, p.Thr158Asn (NM_001406748.1); c.300+6249G>T (NM_001199973.2); c.177+9884G>T (NM_001199974.2); short protein forms T158N, T199N.
Identifiers: ClinVar variation 2661058 (VCV002661058.27), dbSNP rs1928321887, ClinGen allele CA413929394.

ClinVar aggregate classification (germline): Uncertain significance. Review status: criteria provided, multiple submitters, no conflicts (2 of 4 stars). 3 submissions from 3 submitters: Uncertain significance (3). Last evaluated 2026-09-08.

Conditions:
Fabry disease. Also called: Fabry's disease; ALPHA-GALACTOSIDASE A DEFICIENCY; ANDERSON-FABRY DISEASE; CERAMIDE TRIHEXOSIDASE DEFICIENCY; GLA DEFICIENCY; HEREDITARY DYSTOPIC LIPIDOSIS. Identifiers: Orphanet 324, MedGen C0002986, MONDO:0010526, OMIM 301500, HP:0001071. Disease mechanism: Fabry disease is due to inactivating mutations in the X-linked GLA gene resulting in deficiency of the enzyme Alpha Galactosidase-A., loss of function.

Allele frequency attached by ClinVar (database versions not stated): gnomAD exomes below 0.00001.
gnomAD v4.1: 1 of 1,208,995 alleles (0.000083%); highest among the groups gnomAD compares: Non-Finnish European, 0.00011%; no homozygotes.

Submissions (3):

Genomenon, Inc
Classification: Uncertain significance for Fabry disease. Last evaluated: 2026-09-08. Review status: criteria provided, single submitter. Criteria: Genomenon Sequence Variant Interpretation Standards - Updated. Collection method: curation. Allele origin: germline. Affected: no.
Comment: GLA p.Thr158Asn (c.473C>A) is a missense variant that changes the amino acid at codon 158 from Threonine to Asparagine. This variant has been reported in the published literature (PMID:32802993). It is absent or not present at a significant frequency in gnomAD. In silico models predict that this variant is possibly or probably damaging. In conclusion, we classify GLA p.Thr158Asn (c.473C>A) as a variant of uncertain significance.

GeneDx
Classification: Uncertain significance. Last evaluated: 2025-01-19. Review status: criteria provided, single submitter. Criteria: GeneDx Variant Classification Process June 2021. Collection method: clinical testing. Allele origin: germline. Affected: yes.
Comment: Not observed at significant frequency in large population cohorts (gnomAD); In silico analysis supports that this missense variant has a deleterious effect on protein structure/function; Has not been previously published as pathogenic or benign to our knowledge

CeGaT Center for Human Genetics Tuebingen
Classification: Uncertain significance. Last evaluated: 2023-03-01. Review status: criteria provided, single submitter. Criteria: CeGaT Center For Human Genetics Tuebingen Variant Classification Criteria Version 2. Collection method: clinical testing. Allele origin: germline. Affected: yes. Observed: 1 variant allele.
Comment: GLA: PM2

Literature cited by the submitters: PubMed 32802993 (cited by Genomenon, Inc).